The following is an entry in ClinVar:

NM_001040108.2(MLH3):c.4289G>A (p.Arg1430His)

Gene: MLH3 (mutL homolog 3; minus strand). Cytogenetic location: 14q24.3.
Variant type: single nucleotide variant.
Coding change: c.4289G>A on transcript NM_001040108.2 (MANE Select); coding-DNA position 4289, G replaced by A.
Protein change: p.Arg1430His; replaces arginine 1430 with histidine.
Molecular consequence: missense variant.
Genome position (GRCh38, 1-based): chr14:75,017,155, C>T on the plus strand (G>A on the coding strand, the complement: MLH3 is on the minus strand). VCF-style: chr14-75017155-C-T. GRCh37 (hg19) VCF-style: chr14-75483858-C-T.
Other names: c.4289G>A (NM_001040108.1); c.4217G>A, p.Arg1406His (NM_014381.3); short protein forms R1406H, R1430H.
Identifiers: ClinVar variation 1368097 (VCV001368097.11), dbSNP rs760305520, ClinGen allele CA7275162.

ClinVar aggregate classification (germline): Conflicting classifications of pathogenicity. Review status: criteria provided, conflicting classifications (1 of 4 stars). 3 submissions from 3 submitters: Uncertain significance (2); Likely benign (1). Last evaluated 2025-12-23.

Conditions:
Colorectal cancer, hereditary nonpolyposis, type 7. Identifiers: Orphanet 144, MedGen C1858380, MONDO:0013725, OMIM 614385.

Allele frequency attached by ClinVar (database versions not stated): gnomAD 0.00002; ExAC 0.00004; gnomAD exomes 0.00004.
gnomAD v4.1: 30 of 1,612,648 alleles (0.0019%); highest among the groups gnomAD compares: Admixed American, 0.01%; no homozygotes.

Submissions (3):

Labcorp Genetics (formerly Invitae), Labcorp
Classification: Uncertain significance for Colorectal cancer, hereditary nonpolyposis, type 7. Last evaluated: 2025-12-23. Review status: criteria provided, single submitter. Criteria: Invitae Variant Classification Sherloc (09022015). Collection method: clinical testing. Allele origin: germline.
Comment: This sequence change replaces arginine, which is basic and polar, with histidine, which is basic and polar, at codon 1430 of the MLH3 protein (p.Arg1430His). This variant is present in population databases (rs760305520, gnomAD 0.006%). This variant has not been reported in the literature in individuals affected with MLH3-related conditions. ClinVar contains an entry for this variant (Variation ID: 1368097). An algorithm developed to predict the effect of missense changes on protein structure and function outputs the following: PolyPhen-2: "Benign". The histidine amino acid residue is found in multiple mammalian species, which suggests that this missense change does not adversely affect protein function. In summary, the available evidence is currently insufficient to determine the role of this variant in disease. Therefore, it has been classified as a Variant of Uncertain Significance.

Center for Genomic Medicine, Rigshospitalet, Copenhagen University Hospital
Classification: Uncertain significance. Last evaluated: 2025-03-04. Review status: criteria provided, single submitter. Criteria: ACMG Guidelines, 2015. Collection method: clinical testing. Allele origin: germline.

Ambry Genetics
Classification: Likely benign. Last evaluated: 2023-05-24. Review status: criteria provided, single submitter. Criteria: Ambry Variant Classification Scheme 2023. Collection method: clinical testing. Allele origin: germline.